The following is an entry in ClinVar:

ClinVar aggregate classification (germline): Uncertain significance (1 of 4 stars; one submission).

Conditions:
Hereditary cancer-predisposing syndrome. Also called: Hereditary Cancer Syndrome; Hereditary neoplastic syndrome; Tumor predisposition; Neoplastic Syndromes, Hereditary. Identifiers: Orphanet 140162, MedGen C0027672, MeSH D009386, MONDO:0015356.
Cardiovascular phenotype. Identifiers: MedGen CN230736.

Submission:

Ambry Genetics
Classification: Uncertain significance for Cardiovascular phenotype; Hereditary cancer-predisposing syndrome. Last evaluated: 2024-11-13. Review status: criteria provided, single submitter. Criteria: Ambry Variant Classification Scheme 2023. Collection method: clinical testing. Allele origin: germline.
Comment: The c.1943-3_1944dupCAGGC variant results from a duplication of 5 nucleotides between positions 1943-3 and 1944 and involves the canonical splice acceptor site before coding exon 17 of the LZTR1 gene. In silico splice site analysis predicts that this alteration may weaken the native splice acceptor site and will result in the creation or strengthening of a novel splice acceptor site; however, the exact impact of this duplication on LZTR1 splicing and function is currently unknown. The canonical splice acceptor site is not well conserved in available vertebrate species. Based on the available evidence, the clinical significance of this variant remains unclear.

NM_006767.4(LZTR1):c.1943-3_1944dup

Gene: LZTR1 (leucine zipper like post translational regulator 1; plus strand). Cytogenetic location: 22q11.21.
Variant type: Duplication.
Coding change: c.1943-3_1944dup on transcript NM_006767.4 (MANE Select); 3 bases into the intron before coding-DNA position 1943 through coding-DNA position 1944, 5 bases duplicated (CAGGC; older notation c.1943-3_1944dupCAGGC).
Molecular consequence: splice acceptor variant.
Genome position (GRCh38, 1-based): chr22:20,995,743-20,995,747, CAGGC duplicated; duplicating any 5 consecutive bases within chr22:20,995,742-20,995,747 gives the same sequence; the c. name uses the placement nearest the transcript's 3' end. VCF-style (leftmost placement, unchanged base first): chr22-20995741-C-CCCAGG. GRCh37 (hg19) VCF-style: chr22-21350030-C-CCCAGG.
Identifiers: ClinVar variation 3541683 (VCV003541683.1).